The following is an entry in ClinVar:

ClinVar aggregate classification (germline): Uncertain significance (1 of 4 stars; one submission).

Submission:

GeneDx
Classification: Uncertain significance. Last evaluated: 2024-11-15. Review status: criteria provided, single submitter. Criteria: GeneDx Variant Classification Process June 2021. Collection method: clinical testing. Allele origin: germline. Affected: yes.
Comment: Not observed at significant frequency in large population cohorts (gnomAD); In silico analysis supports that this missense variant has a deleterious effect on protein structure/function; Has not been previously published as pathogenic or benign to our knowledge; This variant is associated with the following publications: (PMID: 29309627)

NM_007363.5(NONO):c.878G>A (p.Arg293His)

Gene: NONO (non-POU domain containing octamer binding; plus strand). Cytogenetic location: Xq13.1.
Variant type: single nucleotide variant.
Coding change: c.878G>A on transcript NM_007363.5 (MANE Select); coding-DNA position 878, G replaced by A.
Protein change: p.Arg293His; replaces arginine 293 with histidine.
Molecular consequence: missense variant.
Genome position (GRCh38, 1-based): chrX:71,296,982, G>A. VCF-style: chrX-71296982-G-A. GRCh37 (hg19) VCF-style: chrX-70516832-G-A.
Other names: c.878G>A, p.Arg293His (NM_001145408.2, NM_001145409.2); c.611G>A, p.Arg204His (NM_001145410.2); short protein forms R204H, R293H.
Identifiers: ClinVar variation 3899484 (VCV003899484.1).